The following is an entry in ClinVar:

ClinVar aggregate classification (germline): Conflicting classifications of pathogenicity. Review status: criteria provided, conflicting classifications (1 of 4 stars). 2 submissions from 2 submitters: Uncertain significance (1); Likely benign (1). Last evaluated 2024-05-06.

Conditions:
Developmental and epileptic encephalopathy, 42 (DEE42A). Also called: Epileptic encephalopathy, early infantile, 42; DEVELOPMENTAL AND EPILEPTIC ENCEPHALOPATHY 42A; EPILEPTIC ENCEPHALOPATHY, EARLY INFANTILE, 42A. Identifiers: MedGen C4310716, MONDO:0014917, OMIM 617106.
Episodic ataxia type 2 (EA2). Also called: EPISODIC ATAXIA, NYSTAGMUS-ASSOCIATED; ACETAZOLAMIDE-RESPONSIVE HEREDITARY PAROXYSMAL CEREBELLAR ATAXIA; ATAXIA, EPISODIC, WITH NYSTAGMUS; ATAXIA, FAMILIAL PAROXYSMAL; CEREBELLAR ATAXIA, PAROXYSMAL, ACETAZOLAMIDE-RESPONSIVE; CEREBELLOPATHY, HEREDITARY PAROXYSMAL. Identifiers: Orphanet 97, MedGen C1720416, MONDO:0007163, OMIM 108500.

Allele frequency attached by ClinVar (database versions not stated): gnomAD exomes 0.00001 and 0.00002; TOPMed 0.00001; ExAC 0.00002; ESP Exome Variant Server 0.00008.
gnomAD v4.1: 5 of 1,612,308 alleles (0.00031%); highest among the groups gnomAD compares: Admixed American, 0.0067%; no homozygotes.

Submissions (2):

Labcorp Genetics (formerly Invitae), Labcorp
Classification: Likely benign for Developmental and epileptic encephalopathy, 42; Episodic ataxia type 2. Last evaluated: 2024-05-06. Review status: criteria provided, single submitter. Criteria: Invitae Variant Classification Sherloc (09022015). Collection method: clinical testing. Allele origin: germline.

GeneDx
Classification: Uncertain significance. Last evaluated: 2024-04-28. Review status: criteria provided, single submitter. Criteria: GeneDx Variant Classification Process June 2021. Collection method: clinical testing. Allele origin: germline. Affected: yes.
Comment: In silico analysis supports that this missense variant has a deleterious effect on protein structure/function; Has not been previously published as pathogenic or benign to our knowledge

NM_001127222.2(CACNA1A):c.2434C>T (p.Arg812Trp)

Gene: CACNA1A (calcium voltage-gated channel subunit alpha1 A; minus strand). Cytogenetic location: 19p13.13.
Variant type: single nucleotide variant.
Coding change: c.2434C>T on transcript NM_001127222.2 (MANE Select); coding-DNA position 2434, C replaced by T.
Protein change: p.Arg812Trp; replaces arginine 812 with tryptophan.
Molecular consequence: missense variant.
Genome position (GRCh38, 1-based): chr19:13,299,199, G>A on the plus strand (C>T on the coding strand, the complement: CACNA1A is on the minus strand). VCF-style: chr19-13299199-G-A. GRCh37 (hg19) VCF-style: chr19-13410013-G-A.
Other names: c.2437C>T (NM_001127221.1); c.2446C>T, p.Arg816Trp (NM_000068.4, NM_023035.3); c.2437C>T, p.Arg813Trp (NM_001127221.2, NM_001174080.2); short protein forms R812W, R813W, R816W.
Identifiers: ClinVar variation 1405052 (VCV001405052.9), dbSNP rs369084322, ClinGen allele CA9240553.